The following is an entry in ClinVar:

NM_020822.3(KCNT1):c.1620-16C>G

Gene: KCNT1 (potassium sodium-activated channel subfamily T member 1; plus strand). Cytogenetic location: 9q34.3.
Variant type: single nucleotide variant.
Coding change: c.1620-16C>G on transcript NM_020822.3 (MANE Select); 16 bases into the intron before coding-DNA position 1620, C replaced by G.
Molecular consequence: intron variant.
Genome position (GRCh38, 1-based): chr9:135,770,282, C>G. VCF-style: chr9-135770282-C-G. GRCh37 (hg19) VCF-style: chr9-138662128-C-G.
Other names: c.1485-16C>G (NM_001272003.2).
Identifiers: ClinVar variation 392014 (VCV000392014.10), dbSNP rs369334561, ClinGen allele CA5327003.

ClinVar aggregate classification (germline): Benign/Likely benign. Review status: criteria provided, multiple submitters, no conflicts (2 of 4 stars). 4 submissions from 3 submitters: Benign (3); Likely benign (1). Last evaluated 2026-02-01.

Conditions:
Developmental and epileptic encephalopathy, 14 (DEE14). Also called: Early infantile epileptic encephalopathy 14. Identifiers: Orphanet 293181, MedGen C3554195, MONDO:0013989, OMIM 614959.
Autosomal dominant nocturnal frontal lobe epilepsy 5. Also called: CILIARY DYSKINESIA, PRIMARY, 28, WITH SITUS INVERSUS; Epilepsy, nocturnal frontal lobe, 5; CILIARY DYSKINESIA, PRIMARY, 28, WITHOUT SITUS INVERSUS; KCNT1-Related Epilepsy. Identifiers: Orphanet 98784, MedGen C3554306, MONDO:0014002, OMIM 615005.

Allele frequency attached by ClinVar (database versions not stated): ESP Exome Variant Server 0.00015; TOPMed 0.00020; gnomAD exomes 0.00021; ExAC 0.00023; gnomAD 0.00023 and 0.00025.
gnomAD v4.1: 372 of 1,577,334 alleles (0.024%); highest among the groups gnomAD compares: South Asian, 0.094%; 2 homozygotes.

Submissions (4):

Labcorp Genetics (formerly Invitae), Labcorp
Classification: Benign for Autosomal dominant nocturnal frontal lobe epilepsy 5; Developmental and epileptic encephalopathy, 14. Last evaluated: 2026-02-01. Review status: criteria provided, single submitter. Criteria: Invitae Variant Classification Sherloc (09022015). Collection method: clinical testing. Allele origin: germline.

Genome-Nilou Lab
Classification: Benign for Developmental and epileptic encephalopathy, 14. Last evaluated: 2022-03-15. Review status: criteria provided, single submitter. Criteria: ACMG Guidelines, 2015. Collection method: clinical testing. Allele origin: germline. Affected: no.

Genome-Nilou Lab
Classification: Benign for Autosomal dominant nocturnal frontal lobe epilepsy 5. Last evaluated: 2022-03-15. Review status: criteria provided, single submitter. Criteria: ACMG Guidelines, 2015. Collection method: clinical testing. Allele origin: germline. Affected: no.

GeneDx
Classification: Likely benign. Last evaluated: 2016-12-21. Review status: criteria provided, single submitter. Criteria: GeneDx Variant Classification (06012015). Collection method: clinical testing. Allele origin: germline. Affected: yes.
Comment: This variant is considered likely benign or benign based on one or more of the following criteria: it is a conservative change, it occurs at a poorly conserved position in the protein, it is predicted to be benign by multiple in silico algorithms, and/or has population frequency not consistent with disease.